The following is an entry in ClinVar:

ClinVar aggregate classification (germline): Pathogenic (1 of 4 stars; one submission).

Submission:

Labcorp Genetics (formerly Invitae), Labcorp
Classification: Pathogenic. Last evaluated: 2019-07-26. Review status: criteria provided, single submitter. Criteria: Invitae Variant Classification Sherloc (09022015). Collection method: clinical testing. Allele origin: germline.
Comment: This variant is a gross deletion of the genomic region encompassing a portion of intron 2 and the entire exon 3 of the HBB gene. The 5' boundary is confined to intron 2. The 3' end of this event extends through the termination codon and into the untranslated region of the HBB gene. While this deletion is not anticipated to result in nonsense mediated decay, it is expected to create a truncated protein product or disrupt mRNA translation. A similar exon 3 deletion, commonly known as the 619bp deletion, in the literature has been observed in many individuals affected with beta thalassemia and is considered a common founder mutation in the Indian population although it has been found in affected individuals from other populations (PMID: 2903765, 287080, 7162987, 2064964,¬†27812264). For these reasons, this variant has been classified as Pathogenic.

Literature cited by the submitters: PubMed 2903765; PubMed 287080; PubMed 7162987; PubMed 2064964; PubMed 27812264.

NC_000011.9:g.(?_5246696)_5247105del

Gene: HBB (hemoglobin subunit beta; minus strand).
Variant type: Deletion.
Identifiers: ClinVar variation 1074561 (VCV001074561.2).